The following is an entry in ClinVar:

NM_177438.3(DICER1):c.1724dup (p.Asp575fs)

Gene: DICER1 (dicer 1, ribonuclease III; minus strand). Cytogenetic location: 14q32.13.
Variant type: Duplication.
Coding change: c.1724dup on transcript NM_177438.3 (MANE Select); coding-DNA position 1724, one base duplicated (A; older notation c.1724dupA).
Protein change: p.Asp575fs; shifts the reading frame from aspartic acid 575.
Molecular consequence: frameshift variant.
Genome position (GRCh38, 1-based): chr14:95,116,481, T duplicated on the plus strand (A on the coding strand, the reverse complement: DICER1 is on the minus strand). VCF-style (leftmost placement, unchanged base first): chr14-95116480-G-GT. GRCh37 (hg19) VCF-style: chr14-95582817-G-GT.
Other names: c.1724dup, p.Asp575fs (NM_001195573.1, NM_001271282.3, NM_001291628.2 and 1 more transcripts); short protein forms D575fs.
Identifiers: ClinVar variation 1210818 (VCV001210818.3), dbSNP rs2140123124, ClinGen allele CA2499222816.

ClinVar aggregate classification (germline): Pathogenic (1 of 4 stars; one submission).

Submission:

GeneDx
Classification: Pathogenic. Last evaluated: 2021-03-31. Review status: criteria provided, single submitter. Criteria: GeneDx Variant Classification Process June 2021. Collection method: clinical testing. Allele origin: germline. Affected: yes.
Comment: Frameshift variant predicted to result in protein truncation or nonsense mediated decay in a gene for which loss-of-function is a known mechanism of disease; Not observed in large population cohorts (Lek 2016); Has not been previously published as pathogenic or benign to our knowledge